The following is an entry in ClinVar:

NM_021728.4(OTX2):c.424C>G (p.Pro142Ala)

Gene: OTX2 (orthodenticle homeobox 2; minus strand). Cytogenetic location: 14q22.3.
Variant type: single nucleotide variant.
Coding change: c.424C>G on transcript NM_021728.4 (MANE Select); coding-DNA position 424, C replaced by G.
Protein change: p.Pro142Ala; replaces proline 142 with alanine.
Molecular consequence: missense variant. On other transcripts: non-coding transcript variant (2).
Genome position (GRCh38, 1-based): chr14:56,802,205, G>C on the plus strand (C>G on the coding strand, the complement: OTX2 is on the minus strand). VCF-style: chr14-56802205-G-C. GRCh37 (hg19) VCF-style: chr14-57268923-G-C.
Other names: c.400C>G, p.Pro134Ala (NM_001270523.2, NM_001270524.2, NM_172337.3); c.424C>G, p.Pro142Ala (NM_001270525.2); short protein forms P142A, P134A.
Identifiers: ClinVar variation 2276895 (VCV002276895.4), dbSNP rs753783256, ClinGen allele CA7200483.

ClinVar aggregate classification (germline): Uncertain significance. Review status: criteria provided, multiple submitters, no conflicts (2 of 4 stars). 2 submissions from 2 submitters: Uncertain significance (2). Last evaluated 2024-08-30.

Conditions:
Anophthalmia-microphthalmia syndrome. Also called: Anophthalmia - microphthalmia; Anophthalmia/Microphthalmia. Identifiers: Orphanet 98555, MedGen C5680330, MONDO:0020147.
Inborn genetic diseases. Identifiers: MedGen C0950123, MeSH D030342.

Allele frequency attached by ClinVar (database versions not stated): ExAC 0.00001; gnomAD 0.00002.
gnomAD v4.1: 60 of 1,614,012 alleles (0.0037%); highest among the groups gnomAD compares: Non-Finnish European, 0.0048%; no homozygotes.

Submissions (2):

Labcorp Genetics (formerly Invitae), Labcorp
Classification: Uncertain significance for Anophthalmia-microphthalmia syndrome. Last evaluated: 2024-08-30. Review status: criteria provided, single submitter. Criteria: Invitae Variant Classification Sherloc (09022015). Collection method: clinical testing. Allele origin: germline.
Comment: This sequence change replaces proline, which is neutral and non-polar, with alanine, which is neutral and non-polar, at codon 134 of the OTX2 protein (p.Pro134Ala). This variant is present in population databases (rs753783256, gnomAD 0.005%). This missense change has been observed in individual(s) with OTX2-related conditions (PMID: 15846561). This variant is also known as c.571C>G. ClinVar contains an entry for this variant (Variation ID: 2276895). An algorithm developed to predict the effect of missense changes on protein structure and function (PolyPhen-2) suggests that this variant is likely to be tolerated. Experimental studies have shown that this missense change does not substantially affect OTX2 function (PMID: 16607563). In summary, the available evidence is currently insufficient to determine the role of this variant in disease. Therefore, it has been classified as a Variant of Uncertain Significance.

Ambry Genetics
Classification: Uncertain significance for Inborn genetic diseases. Last evaluated: 2022-03-16. Review status: criteria provided, single submitter. Criteria: Ambry Variant Classification Scheme 2023. Collection method: clinical testing. Allele origin: germline.

Literature cited by the submitters: PubMed 15846561 (cited by Labcorp Genetics (formerly Invitae), Labcorp and Ambry Genetics); PubMed 16607563 (cited by Labcorp Genetics (formerly Invitae), Labcorp and Ambry Genetics).